The following is an entry in ClinVar:

NC_000023.10:g.(?_70607091)_(70644108_?)dup

Gene: TAF1 (TATA-box binding protein associated factor 1; plus strand). Cytogenetic location: Xq13.1.
Variant type: Duplication.
Identifiers: ClinVar variation 3246651 (VCV003246651.1).

ClinVar aggregate classification (germline): Uncertain significance (1 of 4 stars; one submission).

Submission:

Labcorp Genetics (formerly Invitae), Labcorp
Classification: Uncertain significance. Last evaluated: 2024-01-12. Review status: criteria provided, single submitter. Criteria: Invitae Variant Classification Sherloc (09022015). Collection method: clinical testing. Allele origin: unknown.
Comment: This variant results in a copy number gain of the genomic region encompassing exon(s) 15-32 of the TAF1 gene. While the exact position of this variant cannot be determined from the data, sub-genic copy number gains are generally in tandem (PMID: 25640679). This variant is predicted to be out-of-frame, and may result in an absent or disrupted protein product. However, the current clinical and genetic evidence is not sufficient to establish whether loss-of-function variants in TAF1 cause disease. This variant has not been reported in the literature in individuals affected with TAF1-related conditions. Experimental studies and prediction algorithms are not available or were not evaluated, and the functional significance of this variant is currently unknown. In summary, the available evidence is currently insufficient to determine the role of this variant in disease. Therefore, it has been classified as a Variant of Uncertain Significance.

Literature cited by the submitters: PubMed 25640679.